The following is an entry in ClinVar:

NM_000346.4(SOX9):c.1067C>T (p.Pro356Leu)

Gene: SOX9 (SRY-box transcription factor 9; plus strand). Cytogenetic location: 17q24.3.
Variant type: single nucleotide variant.
Coding change: c.1067C>T on transcript NM_000346.4 (MANE Select); coding-DNA position 1067, C replaced by T.
Protein change: p.Pro356Leu; replaces proline 356 with leucine.
Molecular consequence: missense variant.
Genome position (GRCh38, 1-based): chr17:72,123,924, C>T. VCF-style: chr17-72123924-C-T. GRCh37 (hg19) VCF-style: chr17-70120065-C-T.
Other names: short protein forms P356L.
Identifiers: ClinVar variation 2173738 (VCV002173738.4), dbSNP rs765542809, ClinGen allele CA400867647.

ClinVar aggregate classification (germline): Uncertain significance (1 of 4 stars; one submission).

Conditions:
Camptomelic dysplasia (CMPD). Also called: CMPD1/SRA1; Campomelic Dysplasia. Identifiers: Orphanet 140, MedGen C1861922, MONDO:0007251, OMIM 114290.

Submission:

Labcorp Genetics (formerly Invitae), Labcorp
Classification: Uncertain significance for Camptomelic dysplasia. Last evaluated: 2024-12-04. Review status: criteria provided, single submitter. Criteria: Invitae Variant Classification Sherloc (09022015). Collection method: clinical testing. Allele origin: germline.
Comment: This sequence change replaces proline, which is neutral and non-polar, with leucine, which is neutral and non-polar, at codon 356 of the SOX9 protein (p.Pro356Leu). This variant is present in population databases (no rsID available, gnomAD 0.02%). This variant has not been reported in the literature in individuals affected with SOX9-related conditions. ClinVar contains an entry for this variant (Variation ID: 2173738). Invitae Evidence Modeling of protein sequence and biophysical properties (such as structural, functional, and spatial information, amino acid conservation, physicochemical variation, residue mobility, and thermodynamic stability) indicates that this missense variant is not expected to disrupt SOX9 protein function with a negative predictive value of 95%. In summary, the available evidence is currently insufficient to determine the role of this variant in disease. Therefore, it has been classified as a Variant of Uncertain Significance.